The following is an entry in ClinVar:

NM_181712.5(KANK4):c.1643C>T (p.Pro548Leu)

Gene: KANK4 (KN motif and ankyrin repeat domains 4; minus strand). Cytogenetic location: 1p31.3.
Variant type: single nucleotide variant.
Coding change: c.1643C>T on transcript NM_181712.5 (MANE Select); coding-DNA position 1643, C replaced by T.
Protein change: p.Pro548Leu; replaces proline 548 with leucine.
Molecular consequence: missense variant. On other transcripts: intron variant (1).
Genome position (GRCh38, 1-based): chr1:62,273,461, G>A on the plus strand (C>T on the coding strand, the complement: KANK4 is on the minus strand). VCF-style: chr1-62273461-G-A. GRCh37 (hg19) VCF-style: chr1-62739133-G-A.
Other names: c.17-1872C>T (NM_001320269.2); short protein forms P548L.
Identifiers: ClinVar variation 2213848 (VCV002213848.5), dbSNP rs750293657, ClinGen allele CA884339.
Genomic context (GRCh38, chr1:62,273,461, plus strand): 5'-TGGATCTTCTTCACATACTGCCCAATAGTGGCATCCGTTGGCGAGCTTGGTGGCCTTCCC[G>A]GGTGCTCCTTCCCTGGGAGATTGGAACTGGTCTCCTCCCTCCCTGCTGGGGGAGTCTTTC-3'
Protein context (NP_859063.3, residues 538-558): TSSNLPGKEH[Pro548Leu]GRPPSSPTDA

ClinVar aggregate classification (germline): Uncertain significance. Review status: criteria provided, multiple submitters, no conflicts (2 of 4 stars). 2 submissions from 2 submitters: Uncertain significance (2). Last evaluated 2025-01-19.

gnomAD v4.1: 14 of 1,613,782 alleles (0.00087%); highest among the groups gnomAD compares: African/African-American, 0.0093%; no homozygotes.

Submissions (2):

Ambry Genetics
Classification: Uncertain significance. Last evaluated: 2025-01-19. Review status: criteria provided, single submitter. Criteria: Ambry Variant Classification Scheme 2023. Collection method: clinical testing. Allele origin: germline.

Labcorp Genetics (formerly Invitae), Labcorp
Classification: Uncertain significance. Last evaluated: 2024-03-02. Review status: criteria provided, single submitter. Criteria: Invitae Variant Classification Sherloc (09022015). Collection method: clinical testing. Allele origin: germline.
Comment: This sequence change replaces proline, which is neutral and non-polar, with leucine, which is neutral and non-polar, at codon 548 of the KANK4 protein (p.Pro548Leu). This variant is present in population databases (rs750293657, gnomAD 0.008%). This variant has not been reported in the literature in individuals affected with KANK4-related conditions. ClinVar contains an entry for this variant (Variation ID: 2213848). Algorithms developed to predict the effect of missense changes on protein structure and function output the following: SIFT: "Not Available"; PolyPhen-2: "Benign"; Align-GVGD: "Not Available". The leucine amino acid residue is found in multiple mammalian species, which suggests that this missense change does not adversely affect protein function. In summary, the available evidence is currently insufficient to determine the role of this variant in disease. Therefore, it has been classified as a Variant of Uncertain Significance.